The following is an entry in ClinVar:

ClinVar aggregate classification (germline): Uncertain significance (1 of 4 stars; one submission).

Submission:

Labcorp Genetics (formerly Invitae), Labcorp
Classification: Uncertain significance. Last evaluated: 2025-08-29. Review status: criteria provided, single submitter. Criteria: Invitae Variant Classification Sherloc (09022015). Collection method: clinical testing. Allele origin: germline.
Comment: This sequence change is expected to alter the c-terminus of the EXOSC9 protein (p.Ala454Argfs*40). While this is not anticipated to result in nonsense mediated decay, it is expected to disrupt the last 3 amino acid(s) of the EXOSC9 protein and extend the protein by 36 additional amino acid residues. This variant is present in population databases (no rsID available, gnomAD 0.003%). This variant has not been reported in the literature in individuals affected with EXOSC9-related conditions. Experimental studies and prediction algorithms are not available or were not evaluated, and the functional significance of this variant is currently unknown. In summary, the available evidence is currently insufficient to determine the role of this variant in disease. Therefore, it has been classified as a Variant of Uncertain Significance.

NM_005033.3(EXOSC9):c.1300_1304dup (p.Ala437fs)

Genes: CCNA2 (cyclin A2; minus strand), EXOSC9 (exosome component 9; plus strand). Cytogenetic location: 4q27.
Variant type: Duplication.
Coding change: c.1300_1304dup on transcript NM_005033.3 (MANE Select); coding-DNA positions 1300 to 1304, 5 bases duplicated (AAGAA; older notation c.1300_1304dupAAGAA).
Protein change: p.Ala437fs; shifts the reading frame from alanine 437.
Molecular consequence: frameshift variant. On other transcripts: 3 prime UTR variant (1).
Genome position (GRCh38, 1-based): chr4:121,816,836-121,816,840, AAGAA duplicated; duplicating any 5 consecutive bases within chr4:121,816,834-121,816,840 gives the same sequence; the c. name uses the placement nearest the transcript's 3' end. VCF-style (leftmost placement, unchanged base first): chr4-121816833-A-AAAAAG. GRCh37 (hg19) VCF-style: chr4-122737988-A-AAAAAG.
Other names: c.1351_1355dup, p.Ala454fs (NM_001034194.2); c.*800_*804dup (NM_001237.5); short protein forms A437fs, A454fs.
Identifiers: ClinVar variation 4778284 (VCV004778284.1).
Genomic context (GRCh38, chr4:121,816,833, plus strand): 5'-ACACAGACCACCAGTGCAAAACAAGAAAAAGCACCAAGTAAAAAGCCAGTGAAAAGAAGA[A>AAAAAG]AAAAGAAGAGAGCTGCCAATTAAAGCTAACAGTTGTATATCTGTATATATAACTATTAAA-3'